The following is an entry in ClinVar:

NM_003000.3(SDHB):c.479A>T (p.Lys160Met)

Gene: SDHB (succinate dehydrogenase complex iron sulfur subunit B; minus strand). Cytogenetic location: 1p36.13.
Variant type: single nucleotide variant.
Coding change: c.479A>T on transcript NM_003000.3 (MANE Select); coding-DNA position 479, A replaced by T.
Protein change: p.Lys160Met; replaces lysine 160 with methionine.
Molecular consequence: missense variant.
Genome position (GRCh38, 1-based): chr1:17,027,810, T>A on the plus strand (A>T on the coding strand, the complement: SDHB is on the minus strand). VCF-style: chr1-17027810-T-A. GRCh37 (hg19) VCF-style: chr1-17354305-T-A.
Other names: c.425A>T, p.Lys142Met (NM_001407361.1); short protein forms K160M, K142M.
Identifiers: ClinVar variation 4844163 (VCV004844163.1).

ClinVar aggregate classification (germline): Uncertain significance (1 of 4 stars; one submission).

Conditions:
Hereditary cancer-predisposing syndrome. Also called: Neoplastic Syndromes, Hereditary; Tumor predisposition; Hereditary Cancer Syndrome; Hereditary neoplastic syndrome. Identifiers: Orphanet 140162, MedGen C0027672, MeSH D009386, MONDO:0015356.

Submission:

Ambry Genetics
Classification: Uncertain significance for Hereditary cancer-predisposing syndrome. Last evaluated: 2026-02-15. Review status: criteria provided, single submitter. Criteria: Ambry Variant Classification Scheme 2023. Collection method: clinical testing. Allele origin: germline.
Comment: The p.K160M variant (also known as c.479A>T), located in coding exon 5 of the SDHB gene, results from an A to T substitution at nucleotide position 479. The lysine at codon 160 is replaced by methionine, an amino acid with similar properties. This amino acid position is conserved. In addition, this alteration is predicted to be deleterious by in silico analysis. Based on the available evidence, the clinical significance of this variant remains unclear.